The following is an entry in ClinVar:

ClinVar aggregate classification (germline): Likely pathogenic (1 of 4 stars; one submission).

Submission:

Labcorp Genetics (formerly Invitae), Labcorp
Classification: Likely pathogenic. Last evaluated: 2022-11-07. Review status: criteria provided, single submitter. Criteria: Invitae Variant Classification Sherloc (09022015). Collection method: clinical testing. Allele origin: unknown.
Comment: In summary, the currently available evidence indicates that the variant is pathogenic, but additional data are needed to prove that conclusively. Therefore, this variant has been classified as Likely Pathogenic. This variant has not been reported in the literature in individuals affected with HSPG2-related conditions. This variant results in the deletion of exon 56 and part of exon 57 (c.7159-314_7399del) of the HSPG2 gene. It is expected to disrupt RNA splicing. Variants that disrupt the donor or acceptor splice site typically lead to a loss of protein function (PMID: 16199547), and loss-of-function variants in HSPG2 are known to be pathogenic (PMID: 11279527, 16927315, 20542149, 23836246).

Literature cited by the submitters: PubMed 16199547; PubMed 11279527; PubMed 16927315; PubMed 20542149; PubMed 23836246.

NC_000001.10:g.(?_22176581)_(22177305_?)del

Gene: HSPG2 (heparan sulfate proteoglycan 2; minus strand). Cytogenetic location: 1p36.12.
Variant type: Deletion.
Identifiers: ClinVar variation 3247969 (VCV003247969.1).